The following is an entry in ClinVar:

NM_003482.4(KMT2D):c.9787A>C (p.Lys3263Gln)

Gene: KMT2D (lysine methyltransferase 2D; minus strand). Cytogenetic location: 12q13.12.
Variant type: single nucleotide variant.
Coding change: c.9787A>C on transcript NM_003482.4 (MANE Select); coding-DNA position 9787, A replaced by C.
Protein change: p.Lys3263Gln; replaces lysine 3263 with glutamine.
Molecular consequence: missense variant.
Genome position (GRCh38, 1-based): chr12:49,037,569, T>G on the plus strand (A>C on the coding strand, the complement: KMT2D is on the minus strand). VCF-style: chr12-49037569-T-G. GRCh37 (hg19) VCF-style: chr12-49431352-T-G.
Other names: short protein forms K3263Q.
Identifiers: ClinVar variation 2901388 (VCV002901388.7), dbSNP rs770844822, ClinGen allele CA6546648.

ClinVar aggregate classification (germline): Benign/Likely benign. Review status: criteria provided, multiple submitters, no conflicts (2 of 4 stars). 5 submissions from 5 submitters: Benign (1); Likely benign (4). Last evaluated 2025-09-24.

Conditions:
Intellectual disability. Also called: Intellectual functioning disability; intellectual disabilities; Intellectual developmental disorder. Identifiers: MedGen C3714756, MeSH D008607, MONDO:0001071, HP:0001249.
Kabuki syndrome. Also called: Kabuki make-up syndrome; NIIKAWA-KUROKI SYNDROME. Identifiers: Orphanet 2322, MedGen C0796004, MONDO:0016512.
KMT2D-related disorder. Also called: KMT2D-Related Disorders.
Inborn genetic diseases. Identifiers: MedGen C0950123, MeSH D030342.

Allele frequency attached by ClinVar (database versions not stated): TOPMed below 0.00001; gnomAD 0.00001; gnomAD exomes 0.00001; ExAC 0.00004.
gnomAD v4.1: 19 of 1,553,866 alleles (0.0012%); highest among the groups gnomAD compares: South Asian, 0.0047%; no homozygotes.

Submissions (5):

Ambry Genetics
Classification: Likely benign for Inborn genetic diseases. Last evaluated: 2025-09-24. Review status: criteria provided, single submitter. Criteria: Ambry Variant Classification Scheme 2023. Collection method: clinical testing. Allele origin: germline.

PreventionGenetics, part of Exact Sciences
Classification: Likely benign for KMT2D-related condition. Last evaluated: 2025-09-05. Review status: criteria provided, single submitter. Criteria: ACMG Guidelines, 2015. Collection method: clinical testing. Allele origin: germline.
Comment: This variant is classified as likely benign based on ACMG/AMP sequence variant interpretation guidelines (Richards et al. 2015 PMID: 25741868, with internal and published modifications).

Labcorp Genetics (formerly Invitae), Labcorp
Classification: Benign for Kabuki syndrome. Last evaluated: 2023-08-10. Review status: criteria provided, single submitter. Criteria: Invitae Variant Classification Sherloc (09022015). Collection method: clinical testing. Allele origin: germline.

Blueprint Genetics
Classification: Likely benign. Last evaluated: 2023-06-19. Review status: criteria provided, single submitter. Criteria: ACMG Guidelines, 2015. Collection method: clinical testing. Allele origin: germline.

Cambridge Genomics Laboratory, East Genomic Laboratory Hub, NHS Genomic Medicine Service
Classification: Likely benign for Intellectual disability. Last evaluated: 2020-04-29. Review status: criteria provided, single submitter. Criteria: ACGS Best Practice Guidelines for Variant Classification in Rare Disease 2020. Collection method: clinical testing. Allele origin: germline. Affected: yes. Observed: 1 variant allele.